The following is an entry in ClinVar:

ClinVar aggregate classification (germline): Uncertain significance (1 of 4 stars; one submission).

Conditions:
Early Myoclonic Encephalopathy. Identifiers: MedGen C0270855.

gnomAD v4.1: 1 of 1,614,124 alleles (0.000062%); highest among the groups gnomAD compares: Non-Finnish European, 0.000085%; no homozygotes.

Submission:

Labcorp Genetics (formerly Invitae), Labcorp
Classification: Uncertain significance for Early Myoclonic Encephalopathy. Last evaluated: 2023-12-05. Review status: criteria provided, single submitter. Criteria: Invitae Variant Classification Sherloc (09022015). Collection method: clinical testing. Allele origin: germline.
Comment: This sequence change replaces proline, which is neutral and non-polar, with serine, which is neutral and polar, at codon 1319 of the JMJD1C protein (p.Pro1319Ser). This variant is not present in population databases (gnomAD no frequency). This variant has not been reported in the literature in individuals affected with JMJD1C-related conditions. Advanced modeling of protein sequence and biophysical properties (such as structural, functional, and spatial information, amino acid conservation, physicochemical variation, residue mobility, and thermodynamic stability) performed at Invitae indicates that this missense variant is not expected to disrupt JMJD1C protein function with a negative predictive value of 80%. In summary, the available evidence is currently insufficient to determine the role of this variant in disease. Therefore, it has been classified as a Variant of Uncertain Significance.

NM_032776.3(JMJD1C):c.3955C>T (p.Pro1319Ser)

Gene: JMJD1C (jumonji domain containing 1C; minus strand). Cytogenetic location: 10q21.3.
Variant type: single nucleotide variant.
Coding change: c.3955C>T on transcript NM_032776.3 (MANE Select); coding-DNA position 3955, C replaced by T.
Protein change: p.Pro1319Ser; replaces proline 1319 with serine.
Molecular consequence: missense variant. On other transcripts: non-coding transcript variant (1).
Genome position (GRCh38, 1-based): chr10:63,207,714, G>A on the plus strand (C>T on the coding strand, the complement: JMJD1C is on the minus strand). VCF-style: chr10-63207714-G-A. GRCh37 (hg19) VCF-style: chr10-64967474-G-A.
Other names: c.3409C>T, p.Pro1137Ser (NM_001282948.2, NM_001318154.2); c.3091C>T, p.Pro1031Ser (NM_001318153.2); c.3841C>T, p.Pro1281Ser (NM_001322252.2); c.3298C>T, p.Pro1100Ser (NM_001322254.2, NM_001322258.2); short protein forms P1031S, P1319S, P1100S, P1137S, P1281S.
Identifiers: ClinVar variation 2760170 (VCV002760170.3), dbSNP rs768203310, ClinGen allele CA377039639.